The following is an entry in ClinVar:

NM_000138.5(FBN1):c.6135del (p.Leu2046fs)

Gene: FBN1 (fibrillin 1; minus strand). Cytogenetic location: 15q21.1.
Variant type: Deletion.
Coding change: c.6135del on transcript NM_000138.5 (MANE Select); coding-DNA position 6135, one base deleted (C; older notation c.6135delC).
Protein change: p.Leu2046fs; shifts the reading frame from leucine 2046.
Molecular consequence: frameshift variant.
Genome position (GRCh38, 1-based): chr15:48,441,749, G deleted on the plus strand (C on the coding strand, the reverse complement: FBN1 is on the minus strand); the first of 2 consecutive G bases (chr15:48,441,749-48,441,750); deleting either gives the same sequence. VCF-style (leftmost placement, unchanged base first): chr15-48441748-AG-A. GRCh37 (hg19) VCF-style: chr15-48733945-AG-A.
Other names: c.6135del, p.Leu2046fs (NM_001406716.1); short protein forms L2046fs.
Identifiers: ClinVar variation 4786171 (VCV004786171.1).

ClinVar aggregate classification (germline): Pathogenic (1 of 4 stars; one submission).

Conditions:
Marfan syndrome (MFS). Also called: FBN1-Related Marfan Syndrome; MARFAN SYNDROME, TYPE I; Marfan syndrome type 1; Marfan's syndrome; Marfan syndrome, classic. Identifiers: Orphanet 284963, Orphanet 558, MedGen C0024796, MONDO:0007947, OMIM 154700.
Familial thoracic aortic aneurysm and aortic dissection (TAAD). Also called: Thoracic aortic aneurysms and dissections. Identifiers: Orphanet 91387, MedGen C4707243, MONDO:0019625.

Submission:

Labcorp Genetics (formerly Invitae), Labcorp
Classification: Pathogenic for Marfan syndrome; Familial thoracic aortic aneurysm and aortic dissection. Last evaluated: 2025-10-15. Review status: criteria provided, single submitter. Criteria: Invitae Variant Classification Sherloc (09022015). Collection method: clinical testing. Allele origin: germline.
Comment: This sequence change creates a premature translational stop signal (p.Leu2046Cysfs*13) in the FBN1 gene. It is expected to result in an absent or disrupted protein product. Loss-of-function variants in FBN1 are known to be pathogenic (PMID: 17657824, 19293843). This variant is not present in population databases (gnomAD no frequency). This variant has not been reported in the literature in individuals affected with FBN1-related conditions. For these reasons, this variant has been classified as Pathogenic.

Literature cited by the submitters: PubMed 17657824; PubMed 19293843.